The following is an entry in ClinVar:

NM_032444.4(SLX4):c.1873G>A (p.Ala625Thr)

Gene: SLX4 (SLX4 structure-specific endonuclease subunit; minus strand). Cytogenetic location: 16p13.3.
Variant type: single nucleotide variant.
Coding change: c.1873G>A on transcript NM_032444.4 (MANE Select); coding-DNA position 1873, G replaced by A.
Protein change: p.Ala625Thr; replaces alanine 625 with threonine.
Molecular consequence: missense variant.
Genome position (GRCh38, 1-based): chr16:3,596,204, C>T on the plus strand (G>A on the coding strand, the complement: SLX4 is on the minus strand). VCF-style: chr16-3596204-C-T. GRCh37 (hg19) VCF-style: chr16-3646205-C-T.
Other names: c.1873G>A (NM_032444.2); short protein forms A625T.
Identifiers: ClinVar variation 1010113 (VCV001010113.10), dbSNP rs200755122, ClinGen allele CA7866393.

ClinVar aggregate classification (germline): Uncertain significance. Review status: criteria provided, multiple submitters, no conflicts (2 of 4 stars). 3 submissions from 3 submitters: Uncertain significance (3). Last evaluated 2024-10-07.

Conditions:
Fanconi anemia complementation group P. Also called: SLX4-Related Fanconi Anemia. Identifiers: Orphanet 84, MedGen C3469542, MONDO:0013499, OMIM 613951.
Fanconi anemia (FA). Also called: Fanconi's anemia. Identifiers: Orphanet 84, MedGen C0015625, MeSH D005199, MONDO:0019391.

Allele frequency attached by ClinVar (database versions not stated): gnomAD 0.00004; gnomAD exomes 0.00005 and 0.00006; TOPMed 0.00006; ExAC 0.00013; ESP Exome Variant Server 0.00016.
gnomAD v4.1: 89 of 1,550,100 alleles (0.0057%); highest among the groups gnomAD compares: South Asian, 0.0095%; no homozygotes.

Submissions (3):

Labcorp Genetics (formerly Invitae), Labcorp
Classification: Uncertain significance for Fanconi anemia. Last evaluated: 2024-10-07. Review status: criteria provided, single submitter. Criteria: Invitae Variant Classification Sherloc (09022015). Collection method: clinical testing. Allele origin: germline.
Comment: This sequence change replaces alanine, which is neutral and non-polar, with threonine, which is neutral and polar, at codon 625 of the SLX4 protein (p.Ala625Thr). This variant is present in population databases (rs200755122, gnomAD 0.01%). This variant has not been reported in the literature in individuals affected with SLX4-related conditions. ClinVar contains an entry for this variant (Variation ID: 1010113). An algorithm developed to predict the effect of missense changes on protein structure and function outputs the following: PolyPhen-2: "Benign". The threonine amino acid residue is found in multiple mammalian species, which suggests that this missense change does not adversely affect protein function. In summary, the available evidence is currently insufficient to determine the role of this variant in disease. Therefore, it has been classified as a Variant of Uncertain Significance.

GeneDx
Classification: Uncertain significance. Last evaluated: 2024-06-12. Review status: criteria provided, single submitter. Criteria: GeneDx Variant Classification Process June 2021. Collection method: clinical testing. Allele origin: germline. Affected: yes.
Comment: In silico analysis indicates that this missense variant does not alter protein structure/function; Has not been previously published as pathogenic or benign to our knowledge

Fulgent Genetics
Classification: Uncertain significance for Fanconi anemia complementation group P. Last evaluated: 2024-05-09. Review status: criteria provided, single submitter. Criteria: ACMG Guidelines, 2015. Collection method: clinical testing. Allele origin: germline.